The following is an entry in ClinVar:

ClinVar aggregate classification (germline): Uncertain significance (1 of 4 stars; one submission).

Conditions:
Werner syndrome (WRN). Identifiers: Orphanet 902, MedGen C0043119, MONDO:0010196, OMIM 277700.

Allele frequency attached by ClinVar (database versions not stated): ExAC 0.00001.
gnomAD v4.1: 1 of 1,613,378 alleles (0.000062%); highest among the groups gnomAD compares: Non-Finnish European, 0.000085%; no homozygotes.

Submission:

Labcorp Genetics (formerly Invitae), Labcorp
Classification: Uncertain significance for Werner syndrome. Last evaluated: 2023-04-23. Review status: criteria provided, single submitter. Criteria: Invitae Variant Classification Sherloc (09022015). Collection method: clinical testing. Allele origin: germline.
Comment: In summary, the available evidence is currently insufficient to determine the role of this variant in disease. Therefore, it has been classified as a Variant of Uncertain Significance. An algorithm developed to predict the effect of missense changes on protein structure and function (PolyPhen-2) suggests that this variant is likely to be tolerated. This variant has not been reported in the literature in individuals affected with WRN-related conditions. This variant is present in population databases (rs774438611, gnomAD 0.0009%). This sequence change replaces threonine, which is neutral and polar, with proline, which is neutral and non-polar, at codon 1345 of the WRN protein (p.Thr1345Pro).

NM_000553.6(WRN):c.4033A>C (p.Thr1345Pro)

Gene: WRN (WRN RecQ like helicase; plus strand). Cytogenetic location: 8p12.
Variant type: single nucleotide variant.
Coding change: c.4033A>C on transcript NM_000553.6 (MANE Select); coding-DNA position 4033, A replaced by C.
Protein change: p.Thr1345Pro; replaces threonine 1345 with proline.
Molecular consequence: missense variant.
Genome position (GRCh38, 1-based): chr8:31,167,072, A>C. VCF-style: chr8-31167072-A-C. GRCh37 (hg19) VCF-style: chr8-31024588-A-C.
Other names: short protein forms T1345P.
Identifiers: ClinVar variation 2790356 (VCV002790356.3), dbSNP rs774438611, ClinGen allele CA4705248.